The following is an entry in ClinVar:

ClinVar aggregate classification (germline): Uncertain significance (1 of 4 stars; one submission).

Conditions:
Primary ciliary dyskinesia 5. Also called: CILIARY DYSKINESIA, PRIMARY, 5, WITHOUT SITUS INVERSUS. Identifiers: Orphanet 244, MedGen C1837615, MONDO:0012088, OMIM 608647.

gnomAD v4.1: 14 of 1,614,196 alleles (0.00087%); highest among the groups gnomAD compares: African/African-American, 0.015%; no homozygotes.

Submission:

3billion
Classification: Uncertain significance for Primary ciliary dyskinesia 5. Last evaluated: 2024-12-09. Review status: criteria provided, single submitter. Criteria: ACMG Guidelines, 2015. Collection method: clinical testing. Allele origin: germline. Affected: yes.
Comment: The variant is observed at an extremely low frequency in the gnomAD v4.1.0 dataset (total allele frequency: <0.001%). Predicted Consequence/Location: Missense variant. The majority of the known disease-causing variants of this gene are variants expected to result in premature termination of the protein. In silico tools predict the variant to alter splicing and produce an abnormal transcript [SpliceAI: 0.32 (>=0.2, moderate evidence for spliceogenicity)]. Therefore, this variant is classified as VUS according to the recommendation of ACMG/AMP guideline.

NM_001270974.2(HYDIN):c.12014C>G (p.Thr4005Ser)

Gene: HYDIN (HYDIN axonemal central pair apparatus protein; minus strand). Cytogenetic location: 16q22.2.
Variant type: single nucleotide variant.
Coding change: c.12014C>G on transcript NM_001270974.2 (MANE Select); coding-DNA position 12014, C replaced by G.
Protein change: p.Thr4005Ser; replaces threonine 4005 with serine.
Molecular consequence: missense variant.
Genome position (GRCh38, 1-based): chr16:70,860,183, G>C on the plus strand (C>G on the coding strand, the complement: HYDIN is on the minus strand). VCF-style: chr16-70860183-G-C. GRCh37 (hg19) VCF-style: chr16-70894086-G-C.
Other names: short protein forms T4005S.
Identifiers: ClinVar variation 4292733 (VCV004292733.1).